The following is an entry in ClinVar:

ClinVar aggregate classification (germline): Uncertain significance. Review status: criteria provided, multiple submitters, no conflicts (2 of 4 stars). 5 submissions from 5 submitters: Uncertain significance (5). Last evaluated 2025-04-18.

Conditions:
Hereditary cancer-predisposing syndrome. Also called: Neoplastic Syndromes, Hereditary; Tumor predisposition; Hereditary neoplastic syndrome; Hereditary Cancer Syndrome. Identifiers: Orphanet 140162, MedGen C0027672, MeSH D009386, MONDO:0015356.
Classic or attenuated familial adenomatous polyposis. Identifiers: MedGen CN372698, MONDO:0021057.
Familial adenomatous polyposis 1 (FAP1). Also called: POLYPOSIS, ADENOMATOUS INTESTINAL; FAMILIAL ADENOMATOUS POLYPOSIS 1, ATTENUATED. Identifiers: MedGen C2713442, MONDO:0021056, OMIM 175100. Disease mechanism: loss of function.

Allele frequency attached by ClinVar (database versions not stated): gnomAD exomes below 0.00001; ExAC 0.00001.
gnomAD v4.1: 1 of 1,614,106 alleles (0.000062%); highest among the groups gnomAD compares: East Asian, 0.0022%; no homozygotes.

Submissions (5):

Ambry Genetics
Classification: Uncertain significance for Hereditary cancer-predisposing syndrome. Last evaluated: 2025-04-18. Review status: criteria provided, single submitter. Criteria: Ambry Variant Classification Scheme 2023. Collection method: clinical testing. Allele origin: germline.
Comment: The p.D2699G variant (also known as c.8096A>G), located in coding exon 15 of the APC gene, results from an A to G substitution at nucleotide position 8096. The aspartic acid at codon 2699 is replaced by glycine, an amino acid with similar properties. This amino acid position is well conserved in available vertebrate species. Missense alterations in APC are not a common cause of disease (Spier I et al. Genet Med. 2024 Feb;26(2):100992). In addition, in silico predictors for this gene do not accurately predict pathogenicity. Since supporting evidence is limited at this time, the clinical significance of this alteration remains unclear.

Labcorp Genetics (formerly Invitae), Labcorp
Classification: Uncertain significance for Familial adenomatous polyposis 1. Last evaluated: 2025-03-17. Review status: criteria provided, single submitter. Criteria: Invitae Variant Classification Sherloc (09022015). Collection method: clinical testing. Allele origin: germline.
Comment: This sequence change replaces aspartic acid, which is acidic and polar, with glycine, which is neutral and non-polar, at codon 2699 of the APC protein (p.Asp2699Gly). This variant is present in population databases (rs773904555, gnomAD 0.006%). This variant has not been reported in the literature in individuals affected with APC-related conditions. ClinVar contains an entry for this variant (Variation ID: 827444). Invitae Evidence Modeling of protein sequence and biophysical properties (such as structural, functional, and spatial information, amino acid conservation, physicochemical variation, residue mobility, and thermodynamic stability) indicates that this missense variant is not expected to disrupt APC protein function with a negative predictive value of 95%. In summary, the available evidence is currently insufficient to determine the role of this variant in disease. Therefore, it has been classified as a Variant of Uncertain Significance.

All of Us Research Program, National Institutes of Health
Classification: Uncertain significance for Classic or attenuated familial adenomatous polyposis. Last evaluated: 2024-03-24. Review status: criteria provided, single submitter. Criteria: ACMG Guidelines, 2015. Collection method: clinical testing. Allele origin: germline. Inheritance: Autosomal dominant inheritance. Observed: 1 variant allele, 1 heterozygote.
Comment: This missense variant replaces aspartic acid with glycine at codon 2699 of the APC protein. Computational prediction suggests that this variant may not impact protein structure and function (internally defined REVEL score threshold <= 0.5, PMID: 27666373). To our knowledge, functional studies have not been reported for this variant. This variant has not been reported in individuals affected with APC-related disorders in the literature. This variant has been identified in 1/251392 chromosomes in the general population by the Genome Aggregation Database (gnomAD). The available evidence is insufficient to determine the role of this variant in disease conclusively. Therefore, this variant is classified as a Variant of Uncertain Significance.

This study involves interpretation of variants in research participants for the purpose of population health screening. Participant phenotype was not available at the time of variant classification. Additional details can be found in publication PMID: 35346344, PMCID: PMC8962531

Baylor Genetics
Classification: Uncertain significance for Familial adenomatous polyposis 1. Last evaluated: 2024-01-30. Review status: criteria provided, single submitter. Criteria: ACMG Guidelines, 2015. Collection method: clinical testing. Allele origin: unknown.

Color Diagnostics, LLC DBA Color Health
Classification: Uncertain significance for Hereditary cancer-predisposing syndrome. Last evaluated: 2023-12-05. Review status: criteria provided, single submitter. Criteria: ACMG Guidelines, 2015. Collection method: clinical testing. Allele origin: germline.
Comment: This missense variant replaces aspartic acid with glycine at codon 2699 of the APC protein. Computational prediction suggests that this variant may not impact protein structure and function (internally defined REVEL score threshold <= 0.5, PMID: 27666373). To our knowledge, functional studies have not been reported for this variant. This variant has not been reported in individuals affected with APC-related disorders in the literature. This variant has been identified in 1/251392 chromosomes in the general population by the Genome Aggregation Database (gnomAD). The available evidence is insufficient to determine the role of this variant in disease conclusively. Therefore, this variant is classified as a Variant of Uncertain Significance.

NM_000038.6(APC):c.8096A>G (p.Asp2699Gly)

Gene: APC (APC regulator of Wnt signaling pathway; plus strand). Cytogenetic location: 5q22.2.
Variant type: single nucleotide variant.
Coding change: c.8096A>G on transcript NM_000038.6 (MANE Select); coding-DNA position 8096, A replaced by G.
Protein change: p.Asp2699Gly; replaces aspartic acid 2699 with glycine.
Molecular consequence: missense variant.
Genome position (GRCh38, 1-based): chr5:112,843,690, A>G. VCF-style: chr5-112843690-A-G. GRCh37 (hg19) VCF-style: chr5-112179387-A-G.
Other names: c.8096A>G, p.Asp2699Gly (NM_001127510.3, NM_001354895.2); c.8042A>G, p.Asp2681Gly (NM_001127511.3); c.8150A>G, p.Asp2717Gly (NM_001354896.2); c.8126A>G, p.Asp2709Gly (NM_001354897.2); c.8021A>G, p.Asp2674Gly (NM_001354898.2); c.8012A>G, p.Asp2671Gly (NM_001354899.2); c.7973A>G, p.Asp2658Gly (NM_001354900.2); c.7919A>G, p.Asp2640Gly (NM_001354901.2); and 5 more; short protein forms D2573G, D2598G, D2671G, D2674G, D2416G, D2539G, D2658G, D2681G.
Identifiers: ClinVar variation 827444 (VCV000827444.18), dbSNP rs773904555, ClinGen allele CA049869.